The following is an entry in ClinVar:

ClinVar aggregate classification (germline): Benign/Likely benign. Review status: criteria provided, multiple submitters, no conflicts (2 of 4 stars). 3 submissions from 3 submitters: Benign (1); Likely benign (1). 1 of the submissions does not count toward it. Last evaluated 2026-01-11.

Conditions:
BUB1-related disorder. Also called: BUB1-related condition.

Allele frequency attached by ClinVar (database versions not stated): ExAC 0.00093; ESP Exome Variant Server 0.00315; TOPMed 0.00343; 1000 Genomes Project 0.00379; 1000 Genomes Project 30x 0.00422.
gnomAD v4.1: 874 of 1,613,598 alleles (0.054%); highest among the groups gnomAD compares: African/African-American, 1.1%; 2 homozygotes.

Submissions (3):

Labcorp Genetics (formerly Invitae), Labcorp
Classification: Benign. Last evaluated: 2026-01-11. Review status: criteria provided, single submitter. Criteria: Invitae Variant Classification Sherloc (09022015). Collection method: clinical testing. Allele origin: germline.

Ambry Genetics
Classification: Likely benign. Last evaluated: 2022-02-12. Review status: criteria provided, single submitter. Criteria: Ambry Variant Classification Scheme 2023. Collection method: clinical testing. Allele origin: germline.

PreventionGenetics, part of Exact Sciences
Classification: Benign for BUB1-related condition. Last evaluated: 2019-09-17. Review status: no assertion criteria provided. Collection method: clinical testing. Allele origin: germline. Not counted in ClinVar's aggregate classification.
Comment: This variant is classified as benign based on ACMG/AMP sequence variant interpretation guidelines (Richards et al. 2015 PMID: 25741868, with internal and published modifications).

NM_004336.5(BUB1):c.660T>C (p.Ser220=)

Gene: BUB1 (BUB1 mitotic checkpoint serine/threonine kinase; minus strand). Cytogenetic location: 2q13.
Variant type: single nucleotide variant.
Coding change: c.660T>C on transcript NM_004336.5 (MANE Select); coding-DNA position 660, T replaced by C.
Protein change: p.Ser220=; no amino-acid change (serine 220 retained).
Molecular consequence: synonymous variant.
Genome position (GRCh38, 1-based): chr2:110,667,666, A>G on the plus strand (T>C on the coding strand, the complement: BUB1 is on the minus strand). VCF-style: chr2-110667666-A-G. GRCh37 (hg19) VCF-style: chr2-111425243-A-G.
Other names: c.600T>C, p.Ser200= (NM_001278616.2); c.660T>C, p.Ser220= (NM_001278617.2).
Identifiers: ClinVar variation 714127 (VCV000714127.10), dbSNP rs1801615, ClinGen allele CA1828277.